The following is an entry in ClinVar:

ClinVar aggregate classification (germline): Pathogenic/Likely pathogenic. Review status: criteria provided, multiple submitters, no conflicts (2 of 4 stars). 2 submissions from 2 submitters: Pathogenic (1); Likely pathogenic (1). Last evaluated 2023-02-13.

Conditions:
Polycystic kidney disease, adult type (PKD1). Also called: POLYCYSTIC KIDNEY DISEASE, ADULT, TYPE I; Polycystic Kidney Disease 1, Autosomal Dominant; Polycystic kidney disease 1; Polycystic kidney disease 1, severe; Polycystic Kidney, Autosomal Dominant; POLYCYSTIC KIDNEY DISEASE 1 WITH OR WITHOUT POLYCYSTIC LIVER DISEASE. Identifiers: MedGen C3149841, MONDO:0008263, OMIM 173900.
PKD1-related disorder. Also called: PKD1-related condition.

Submissions (2):

Department of Human Genetics, Hannover Medical School
Classification: Likely pathogenic for Polycystic kidney disease, adult type. Last evaluated: 2023-02-13. Review status: criteria provided, single submitter. Criteria: ACMG Guidelines, 2015. Collection method: clinical testing. Allele origin: germline. Inheritance: Autosomal dominant inheritance. Affected: yes.
Comment: This variants leads to a premature stop signal, which most likely results in the degradation of the generated mRNA via nonsense-mediated mRNA decay (NMD) and/or the Expression of a truncated protein. In the LOVD shared database the variant is considered pathogenic. In the population database gnomAD, the variant has not yet been detected. In the literature, this variant has been has been detected several times in a patient with autosomal dominant polycystic kidney (PMID: 17582161).

Blueprint Genetics
Classification: Pathogenic for PKD1-related disorders. Last evaluated: 2019-04-10. Review status: criteria provided, single submitter. Criteria: ACMG Guidelines, 2015. Collection method: clinical testing. Allele origin: germline. Affected: yes. Observed: 1 variant allele.

NM_001009944.3(PKD1):c.8606_8607del (p.Glu2869fs)

Gene: PKD1 (polycystin 1, transient receptor potential channel interacting; minus strand). Cytogenetic location: 16p13.3.
Variant type: Microsatellite.
Coding change: c.8606_8607del on transcript NM_001009944.3 (MANE Select); coding-DNA positions 8606 to 8607, 2 bases deleted (AG; older notation c.8606_8607delAG).
Protein change: p.Glu2869fs; shifts the reading frame from glutamic acid 2869.
Molecular consequence: frameshift variant.
Genome position (GRCh38, 1-based): chr16:2,103,450-2,103,451, CT deleted on the plus strand (AG on the coding strand, the reverse complement: PKD1 is on the minus strand); deleting any 2 consecutive bases within chr16:2,103,450-2,103,453 gives the same sequence; the c. name uses the placement nearest the transcript's 3' end. VCF-style (leftmost placement, unchanged base first): chr16-2103449-GCT-G. GRCh37 (hg19) VCF-style: chr16-2153450-GCT-G.
Other names: c.8606_8607del, p.Glu2869fs (NM_000296.4); short protein forms E2869fs.
Identifiers: ClinVar variation 2429346 (VCV002429346.2), dbSNP rs2544742995, ClinGen allele CA2580612703.